The following is an entry in ClinVar:

NC_000008.10:g.(?_118811951)_(118849450_?)dup

Gene: EXT1 (exostosin glycosyltransferase 1; minus strand). Cytogenetic location: 8q24.11.
Variant type: Duplication.
Identifiers: ClinVar variation 3245406 (VCV003245406.1).

ClinVar aggregate classification (germline): Uncertain significance (1 of 4 stars; one submission).

Conditions:
Multiple congenital exostosis (EXT). Also called: Multiple exostoses; MULTIPLE CARTILAGINOUS EXOSTOSES; Multiple osteochondromas; Hereditary multiple osteochondromas; Hereditary multiple exostoses; Hereditary multiple exostosis. Identifiers: Orphanet 321, MedGen C0015306, MONDO:0005508, HP:0002762.

Submission:

Labcorp Genetics (formerly Invitae), Labcorp
Classification: Uncertain significance for Multiple congenital exostosis. Last evaluated: 2023-08-27. Review status: criteria provided, single submitter. Criteria: Invitae Variant Classification Sherloc (09022015). Collection method: clinical testing. Allele origin: unknown.
Comment: In summary, the available evidence is currently insufficient to determine the role of this variant in disease. Therefore, it has been classified as a Variant of Uncertain Significance. Experimental studies and prediction algorithms are not available or were not evaluated, and the functional significance of this variant is currently unknown. This variant has not been reported in the literature in individuals affected with EXT1-related conditions. This variant results in a copy number gain of the genomic region encompassing exon(s) 2-11 of the EXT1 gene. This region includes the termination codon of the gene. This copy number gain extends beyond the assayed region for this gene and therefore may encompass additional genes. As the precise location of this event is unknown, it may be in tandem or it may be located elsewhere in the genome.